The following is an entry in ClinVar:

NM_001040108.2(MLH3):c.3197C>T (p.Thr1066Ile)

Gene: MLH3 (mutL homolog 3; minus strand). Cytogenetic location: 14q24.3.
Variant type: single nucleotide variant.
Coding change: c.3197C>T on transcript NM_001040108.2 (MANE Select); coding-DNA position 3197, C replaced by T.
Protein change: p.Thr1066Ile; replaces threonine 1066 with isoleucine.
Molecular consequence: missense variant.
Genome position (GRCh38, 1-based): chr14:75,046,459, G>A on the plus strand (C>T on the coding strand, the complement: MLH3 is on the minus strand). VCF-style: chr14-75046459-G-A. GRCh37 (hg19) VCF-style: chr14-75513162-G-A.
Other names: c.3197C>T, p.Thr1066Ile (NM_014381.3); short protein forms T1066I.
Identifiers: ClinVar variation 478035 (VCV000478035.12), dbSNP rs41564213, ClinGen allele CA263647744.

ClinVar aggregate classification (germline): Uncertain significance. Review status: criteria provided, multiple submitters, no conflicts (2 of 4 stars). 2 submissions from 2 submitters: Uncertain significance (2). Last evaluated 2025-09-29.

Conditions:
Colorectal cancer, hereditary nonpolyposis, type 7. Identifiers: Orphanet 144, MedGen C1858380, MONDO:0013725, OMIM 614385.

Allele frequency attached by ClinVar (database versions not stated): TOPMed 0.00002; gnomAD 0.00005 and 0.00006; ESP Exome Variant Server 0.00008.
gnomAD v4.1: 76 of 1,614,058 alleles (0.0047%); highest among the groups gnomAD compares: African/African-American, 0.0067%; no homozygotes.

Submissions (2):

Labcorp Genetics (formerly Invitae), Labcorp
Classification: Uncertain significance for Colorectal cancer, hereditary nonpolyposis, type 7. Last evaluated: 2025-09-29. Review status: criteria provided, single submitter. Criteria: Invitae Variant Classification Sherloc (09022015). Collection method: clinical testing. Allele origin: germline.
Comment: This sequence change replaces threonine, which is neutral and polar, with isoleucine, which is neutral and non-polar, at codon 1066 of the MLH3 protein (p.Thr1066Ile). This variant is present in population databases (rs41564213, gnomAD 0.008%). This variant has not been reported in the literature in individuals affected with MLH3-related conditions. ClinVar contains an entry for this variant (Variation ID: 478035). An algorithm developed to predict the effect of missense changes on protein structure and function (PolyPhen-2) suggests that this variant is likely to be disruptive. In summary, the available evidence is currently insufficient to determine the role of this variant in disease. Therefore, it has been classified as a Variant of Uncertain Significance.

Ambry Genetics
Classification: Uncertain significance. Last evaluated: 2025-03-27. Review status: criteria provided, single submitter. Criteria: Ambry Variant Classification Scheme 2023. Collection method: clinical testing. Allele origin: germline.
Comment: The p.T1066I variant (also known as c.3197C>T), located in coding exon 1 of the MLH3 gene, results from a C to T substitution at nucleotide position 3197. The threonine at codon 1066 is replaced by isoleucine, an amino acid with similar properties. This amino acid position is not well conserved in available vertebrate species. In addition, the in silico prediction for this alteration is inconclusive. Since supporting evidence is limited at this time, the clinical significance of this alteration remains unclear.